The following is an entry in ClinVar:

NM_014795.4(ZEB2):c.1276T>A (p.Leu426Ile)

Gene: ZEB2 (zinc finger E-box binding homeobox 2; minus strand). Cytogenetic location: 2q22.3.
Variant type: single nucleotide variant.
Coding change: c.1276T>A on transcript NM_014795.4 (MANE Select); coding-DNA position 1276, T replaced by A.
Protein change: p.Leu426Ile; replaces leucine 426 with isoleucine.
Molecular consequence: missense variant.
Genome position (GRCh38, 1-based): chr2:144,399,911, A>T on the plus strand (T>A on the coding strand, the complement: ZEB2 is on the minus strand). VCF-style: chr2-144399911-A-T. GRCh37 (hg19) VCF-style: chr2-145157478-A-T.
Other names: p.L426I:TTA>ATA; c.1204T>A, p.Leu402Ile (NM_001171653.2); short protein forms L426I, L402I.
Identifiers: ClinVar variation 181711 (VCV000181711.59), dbSNP rs201881288, ClinGen allele CA297560.

ClinVar aggregate classification (germline): Benign/Likely benign. Review status: criteria provided, multiple submitters, no conflicts (2 of 4 stars). 10 submissions from 10 submitters: Benign (3); Likely benign (4). 3 of the submissions do not count toward it. Last evaluated 2026-04-01.

Conditions:
ZEB2-related disorder. Also called: ZEB2-related condition.
Inborn genetic diseases. Identifiers: MedGen C0950123, MeSH D030342.
Mowat-Wilson syndrome (MOWS). Also called: Classic Mowat-Wilson Syndrome. Identifiers: Orphanet 2152, MedGen C1856113, MONDO:0009341, OMIM 235730.

Allele frequency attached by ClinVar (database versions not stated): TOPMed 0.00025; gnomAD 0.00034 and 0.00036; ExAC 0.00035; gnomAD exomes 0.00035; ESP Exome Variant Server 0.00038.
gnomAD v4.1: 558 of 1,614,062 alleles (0.035%); highest among the groups gnomAD compares: Non-Finnish European, 0.042%; no homozygotes.

Submissions (10):

CeGaT Center for Human Genetics Tuebingen
Classification: Likely benign. Last evaluated: 2026-04-01. Review status: criteria provided, single submitter. Criteria: CeGaT Center For Human Genetics Tuebingen Variant Classification Criteria Version 2. Collection method: clinical testing. Allele origin: germline. Affected: yes. Observed: 12 variant alleles.
Comment: ZEB2: BS1

Labcorp Genetics (formerly Invitae), Labcorp
Classification: Likely benign for Mowat-Wilson syndrome. Last evaluated: 2025-11-24. Review status: criteria provided, single submitter. Criteria: Invitae Variant Classification Sherloc (09022015). Collection method: clinical testing. Allele origin: germline.

Blueprint Genetics
Classification: Likely benign. Last evaluated: 2024-11-20. Review status: criteria provided, single submitter. Criteria: ACMG Guidelines, 2015. Collection method: clinical testing. Allele origin: germline.

Genome-Nilou Lab
Classification: Benign for Mowat-Wilson syndrome. Last evaluated: 2021-11-07. Review status: criteria provided, single submitter. Criteria: ACMG Guidelines, 2015. Collection method: clinical testing. Allele origin: germline. Affected: no.

Ambry Genetics
Classification: Likely benign for Inborn genetic diseases. Last evaluated: 2021-06-03. Review status: criteria provided, single submitter. Criteria: Ambry Variant Classification Scheme 2023. Collection method: clinical testing. Allele origin: germline.

GeneDx
Classification: Benign. Last evaluated: 2019-04-24. Review status: criteria provided, single submitter. Criteria: GeneDx Variant Classification Process June 2021. Collection method: clinical testing. Allele origin: germline. Affected: yes.

Genetic Services Laboratory, University of Chicago
Classification: Benign. Last evaluated: 2016-03-14. Review status: criteria provided, single submitter. Criteria: ACMG Guidelines, 2015. Collection method: clinical testing. Allele origin: germline. Affected: no.

PreventionGenetics, part of Exact Sciences
Classification: Likely benign for ZEB2-related condition. Last evaluated: 2024-04-24. Review status: no assertion criteria provided. Collection method: clinical testing. Allele origin: germline. Not counted in ClinVar's aggregate classification.
Comment: This variant is classified as likely benign based on ACMG/AMP sequence variant interpretation guidelines (Richards et al. 2015 PMID: 25741868, with internal and published modifications).

Clinical Genetics DNA and cytogenetics Diagnostics Lab, Erasmus MC, Erasmus Medical Center
Classification: Likely benign. Review status: no assertion criteria provided. Collection method: clinical testing. Allele origin: germline. Affected: yes. Study: VKGL Data-share Consensus. Not counted in ClinVar's aggregate classification.

Genome Diagnostics Laboratory, University Medical Center Utrecht
Classification: Likely benign. Review status: no assertion criteria provided. Collection method: clinical testing. Allele origin: germline. Affected: yes. Study: VKGL Data-share Consensus. Not counted in ClinVar's aggregate classification.